The following is an entry in ClinVar:

NM_001377.3(DYNC2H1):c.1484A>G (p.Lys495Arg)

Gene: DYNC2H1 (dynein cytoplasmic 2 heavy chain 1; plus strand). Cytogenetic location: 11q22.3.
Variant type: single nucleotide variant.
Coding change: c.1484A>G on transcript NM_001377.3 (MANE Select); coding-DNA position 1484, A replaced by G.
Protein change: p.Lys495Arg; replaces lysine 495 with arginine.
Molecular consequence: missense variant.
Genome position (GRCh38, 1-based): chr11:103,121,495, A>G. VCF-style: chr11-103121495-A-G. GRCh37 (hg19) VCF-style: chr11-102992224-A-G.
Other names: c.1484A>G, p.Lys495Arg (NM_001080463.2); short protein forms K495R.
Identifiers: ClinVar variation 878816 (VCV000878816.4), dbSNP rs202233363, ClinGen allele CA382252301.

ClinVar aggregate classification (germline): Uncertain significance (1 of 4 stars; one submission).

Conditions:
Asphyxiating thoracic dystrophy 3. Also called: Saldino-Noonan Syndrome; SHORT-RIB THORACIC DYSPLASIA 3 WITH OR WITHOUT POLYDACTYLY; POLYDACTYLY WITH NEONATAL CHONDRODYSTROPHY, TYPE I; SHORT-RIB THORACIC DYSPLASIA 3/6 WITH POLYDACTYLY, DIGENIC; Short rib polydactyly syndrome 2B. Identifiers: Orphanet 474, Orphanet 93269, Orphanet 93270, Orphanet 93271, MedGen C0036069, MONDO:0013127, OMIM 613091.

gnomAD v4.1: 1 of 1,611,456 alleles (0.000062%); highest among the groups gnomAD compares: East Asian, 0.0022%; no homozygotes.

Submission:

Illumina Laboratory Services, Illumina
Classification: Uncertain significance for Asphyxiating thoracic dystrophy 3. Last evaluated: 2017-04-27. Review status: criteria provided, single submitter. Criteria: ICSL Variant Classification Criteria 13 December 2019. Collection method: clinical testing. Allele origin: germline.
Comment: This variant was observed as part of a predisposition screen in an ostensibly healthy population. A literature search was performed for the gene, cDNA change, and amino acid change (where applicable). Publications were found based on this search. However, the evidence from the literature, in combination with allele frequency data from public databases where available, was not sufficient to rule this variant in or out of causing disease. Therefore, this variant is classified as a variant of unknown significance.

Literature cited by the submitters: PubMed 22499340.